The following is an entry in ClinVar:

ClinVar aggregate classification (germline): Pathogenic (0 of 4 stars; one submission).

Submission:

Human Genetics School of Medicine of Albacete, Castilla-La Mancha University
Classification: Pathogenic. Review status: no assertion criteria provided. Collection method: not provided. Allele origin: inherited.
Comment: Primary Congenital Glaucoma/Juvenile Open Angle Glaucoma
ClinVar note: Converted during submission from pathogenic to Pathogenic.

NM_001453.3(FOXC1):c.1134_1144del (p.Gly380fs)

Gene: FOXC1 (forkhead box C1; plus strand). Cytogenetic location: 6p25.3.
Variant type: Deletion.
Coding change: c.1134_1144del on transcript NM_001453.3 (MANE Select); coding-DNA positions 1134 to 1144, 11 bases deleted (CGGCGGCGCGG).
Protein change: p.Gly380fs; shifts the reading frame from glycine 380.
Molecular consequence: frameshift variant.
Genome position (GRCh38, 1-based): chr6:1,611,579-1,611,589, CGGCGGCGCGG deleted; deleting any 11 consecutive bases within chr6:1,611,575-1,611,589 gives the same sequence; the c. name uses the placement nearest the transcript's 3' end. VCF-style (leftmost placement, unchanged base first): chr6-1611574-GGCGGCGGCGGC-G. GRCh37 (hg19) VCF-style: chr6-1611809-GGCGGCGGCGGC-G.
Other names: short protein forms G380fs.
Identifiers: ClinVar variation 183252 (VCV000183252.2), dbSNP rs730882054, ClinGen allele CA235500.
Genomic context (GRCh38, chr6:1,611,574, plus strand): 5'-CAGAGCTCCCTCTACAGCTCCCCCTGCAGCCAGACCTCCAGCGCGGGCAGCTCGGGCGGC[GGCGGCGGCGGC>G]GCGGGGGCCGCGGGGGGCGCGGGCGGCGCCGGGACCTACCACTGCAACCTGCAAGCCATG-3'